The following is an entry in ClinVar:

ClinVar aggregate classification (germline): Uncertain significance (1 of 4 stars; one submission).

Conditions:
Nemaline myopathy 2 (NEM2). Also called: Nemaline myopathy 2, autosomal recessive. Identifiers: MedGen C1850569, MONDO:0009725, OMIM 256030.

Allele frequency attached by ClinVar (database versions not stated): gnomAD exomes 0.00001.
gnomAD v4.1: 19 of 1,610,280 alleles (0.0012%); highest among the groups gnomAD compares: South Asian, 0.021%; 1 homozygote.

Submission:

Labcorp Genetics (formerly Invitae), Labcorp
Classification: Uncertain significance for Nemaline myopathy 2. Last evaluated: 2022-07-19. Review status: criteria provided, single submitter. Criteria: Invitae Variant Classification Sherloc (09022015). Collection method: clinical testing. Allele origin: germline.
Comment: Algorithms developed to predict the effect of missense changes on protein structure and function are either unavailable or do not agree on the potential impact of this missense change (SIFT: "Deleterious"; PolyPhen-2: "Not Available"; Align-GVGD: "Class C0"). In summary, the available evidence is currently insufficient to determine the role of this variant in disease. Therefore, it has been classified as a Variant of Uncertain Significance. ClinVar contains an entry for this variant (Variation ID: 1399919). This variant has not been reported in the literature in individuals affected with NEB-related conditions. This variant is present in population databases (no rsID available, gnomAD 0.01%). This sequence change replaces aspartic acid, which is acidic and polar, with alanine, which is neutral and non-polar, at codon 4002 of the NEB protein (p.Asp4002Ala).

NM_001164508.2(NEB):c.12005A>C (p.Asp4002Ala)

Gene: NEB (nebulin; minus strand). Cytogenetic location: 2q23.3.
Variant type: single nucleotide variant.
Coding change: c.12005A>C on transcript NM_001164508.2 (MANE Select); coding-DNA position 12005, A replaced by C.
Protein change: p.Asp4002Ala; replaces aspartic acid 4002 with alanine.
Molecular consequence: missense variant.
Genome position (GRCh38, 1-based): chr2:151,610,529, T>G on the plus strand (A>C on the coding strand, the complement: NEB is on the minus strand). VCF-style: chr2-151610529-T-G. GRCh37 (hg19) VCF-style: chr2-152467043-T-G.
Other names: c.12005A>C, p.Asp4002Ala (NM_001164507.2, NM_001271208.2); c.11276A>C, p.Asp3759Ala (NM_004543.5); short protein forms D4002A, D3759A.
Identifiers: ClinVar variation 1399919 (VCV001399919.7), dbSNP rs1457058013, ClinGen allele CA348778020.